The following is an entry in ClinVar:

NM_024675.4(PALB2):c.1707del (p.Glu570fs)

Gene: PALB2 (partner and localizer of BRCA2; minus strand). Cytogenetic location: 16p12.2.
Variant type: Deletion.
Coding change: c.1707del on transcript NM_024675.4 (MANE Select); coding-DNA position 1707, one base deleted (A; older notation c.1707delA).
Protein change: p.Glu570fs; shifts the reading frame from glutamic acid 570.
Molecular consequence: frameshift variant. On other transcripts: 5 prime UTR variant (2), intron variant (1).
Genome position (GRCh38, 1-based): chr16:23,630,447, T deleted on the plus strand (A on the coding strand, the reverse complement: PALB2 is on the minus strand); the first of 5 consecutive T bases (chr16:23,630,447-23,630,451); deleting any one gives the same sequence. VCF-style (leftmost placement, unchanged base first): chr16-23630446-CT-C. GRCh37 (hg19) VCF-style: chr16-23641767-CT-C.
Other names: c.1647del, p.Glu550fs (NM_001407296.1); c.1707del, p.Glu570fs (NM_001407297.1, NM_001407298.1, NM_001407299.1 and 3 more transcripts); c.822del, p.Glu275fs (NM_001407304.1, NM_001407305.1, NM_001407306.1 and 5 more transcripts); c.-82del (NM_001407312.1, NM_001407313.1); c.49-1172del (NM_001407314.1); c.1707delA (NM_024675.3); short protein forms E550fs, E570fs, E275fs.
Identifiers: ClinVar variation 2562470 (VCV002562470.2), dbSNP rs1060502759, ClinGen allele CA919676575.

ClinVar aggregate classification (germline): Pathogenic (1 of 4 stars; one submission).

Conditions:
Hereditary cancer-predisposing syndrome. Also called: Neoplastic Syndromes, Hereditary; Hereditary Cancer Syndrome; Hereditary neoplastic syndrome; Tumor predisposition. Identifiers: Orphanet 140162, MedGen C0027672, MeSH D009386, MONDO:0015356.

Submission:

Ambry Genetics
Classification: Pathogenic for Hereditary cancer-predisposing syndrome. Last evaluated: 2023-06-04. Review status: criteria provided, single submitter. Criteria: Ambry Variant Classification Scheme 2023. Collection method: clinical testing. Allele origin: germline.
Comment: The c.1707delA pathogenic mutation, located in coding exon 5 of the PALB2 gene, results from a deletion of one nucleotide at nucleotide position 1707, causing a translational frameshift with a predicted alternate stop codon (p.E570Rfs*29). This alteration was detected in 1 of 16501 Chinese breast cancer patients and 0 of 5890 female controls (Zhou J et al. Cancer, 2020 Jul;126:3202-3208). This variant is considered to be rare based on population cohorts in the Genome Aggregation Database (gnomAD). In addition to the clinical data presented in the literature, this alteration is expected to result in loss of function by premature protein truncation or nonsense-mediated mRNA decay. As such, this alteration is interpreted as a disease-causing mutation.

Literature cited by the submitters: PubMed 32339256.